The following is an entry in ClinVar:

NM_005918.4(MDH2):c.583C>A (p.Pro195Thr)

Gene: MDH2 (malate dehydrogenase 2; plus strand). Cytogenetic location: 7q11.23.
Variant type: single nucleotide variant.
Coding change: c.583C>A on transcript NM_005918.4 (MANE Select); coding-DNA position 583, C replaced by A.
Protein change: p.Pro195Thr; replaces proline 195 with threonine.
Molecular consequence: missense variant.
Genome position (GRCh38, 1-based): chr7:76,063,542, C>A. VCF-style: chr7-76063542-C-A. GRCh37 (hg19) VCF-style: chr7-75692860-C-A.
Other names: c.457C>A, p.Pro153Thr (NM_001282403.2); c.262C>A, p.Pro88Thr (NM_001282404.2); short protein forms P88T, P153T, P195T.
Identifiers: ClinVar variation 1750001 (VCV001750001.2), dbSNP rs2535869617, ClinGen allele CA367766648.
Genomic context (GRCh38, chr7:76,063,542, plus strand): 5'-TTAACTCATCCAGCTTCATACTTTGGTCACCAGGGTTTGGATCCAGCTCGAGTCAACGTC[C>A]CTGTCATTGGTGGCCATGCTGGGAAGACCATCATCCCCCTGATCTCTCAGGTACACGCAT-3'
Protein context (NP_005909.2, residues 185-205): KGLDPARVNV[Pro195Thr]VIGGHAGKTI

ClinVar aggregate classification (germline): Uncertain significance (1 of 4 stars; one submission).

Conditions:
Inborn genetic diseases. Identifiers: MedGen C0950123, MeSH D030342.

Submission:

Ambry Genetics
Classification: Uncertain significance for Inborn genetic diseases. Last evaluated: 2022-01-31. Review status: criteria provided, single submitter. Criteria: Ambry Variant Classification Scheme 2023. Collection method: clinical testing. Allele origin: germline.
Comment: The p.P195T variant (also known as c.583C>A), located in coding exon 6 of the MDH2 gene, results from a C to A substitution at nucleotide position 583. The proline at codon 195 is replaced by threonine, an amino acid with highly similar properties. This amino acid position is conserved. In addition, this alteration is predicted to be deleterious by in silico analysis. Since supporting evidence is limited at this time, the clinical significance of this alteration remains unclear.